The following is an entry in ClinVar:

NM_001363.5(DKC1):c.748C>T (p.Arg250Cys)

Gene: DKC1 (dyskerin pseudouridine synthase 1; plus strand). Cytogenetic location: Xq28.
Variant type: single nucleotide variant.
Coding change: c.748C>T on transcript NM_001363.5 (MANE Select); coding-DNA position 748, C replaced by T.
Protein change: p.Arg250Cys; replaces arginine 250 with cysteine.
Molecular consequence: missense variant. On other transcripts: non-coding transcript variant (3).
Genome position (GRCh38, 1-based): chrX:154,768,409, C>T. VCF-style: chrX-154768409-C-T. GRCh37 (hg19) VCF-style: chrX-153996684-C-T.
Other names: c.748C>T, p.Arg250Cys (NM_001142463.3, NM_001288747.2); short protein forms R250C.
Identifiers: ClinVar variation 1712649 (VCV001712649.3), dbSNP rs2523688444, ClinGen allele CA414890763.

ClinVar aggregate classification (germline): Uncertain significance (1 of 4 stars; one submission).

Submission:

GeneDx
Classification: Uncertain significance. Last evaluated: 2024-02-27. Review status: criteria provided, single submitter. Criteria: GeneDx Variant Classification Process June 2021. Collection method: clinical testing. Allele origin: germline.
Comment: Not observed at significant frequency in large population cohorts (gnomAD); In silico analysis supports that this missense variant has a deleterious effect on protein structure/function; Has not been previously published as pathogenic or benign to our knowledge